The following is an entry in ClinVar:

NM_001291303.3(FAT4):c.12262T>C (p.Tyr4088His)

Gene: FAT4 (FAT atypical cadherin 4; plus strand). Cytogenetic location: 4q28.1.
Variant type: single nucleotide variant.
Coding change: c.12262T>C on transcript NM_001291303.3 (MANE Select); coding-DNA position 12262, T replaced by C.
Protein change: p.Tyr4088His; replaces tyrosine 4088 with histidine.
Molecular consequence: missense variant.
Genome position (GRCh38, 1-based): chr4:125,476,219, T>C. VCF-style: chr4-125476219-T-C. GRCh37 (hg19) VCF-style: chr4-126397374-T-C.
Other names: c.12262T>C, p.Tyr4088His (NM_001291285.3); c.12256T>C, p.Tyr4086His (NM_024582.6); short protein forms Y4086H, Y4088H.
Identifiers: ClinVar variation 2134109 (VCV002134109.1), dbSNP rs1299908178, ClinGen allele CA358130767.

ClinVar aggregate classification (germline): Uncertain significance (1 of 4 stars; one submission).

Allele frequency attached by ClinVar (database versions not stated): gnomAD exomes below 0.00001.
gnomAD v4.1: 1 of 1,601,736 alleles (0.000062%); highest among the groups gnomAD compares: African/African-American, 0.0013%; no homozygotes.

Submission:

Labcorp Genetics (formerly Invitae), Labcorp
Classification: Uncertain significance. Last evaluated: 2022-05-05. Review status: criteria provided, single submitter. Criteria: Invitae Variant Classification Sherloc (09022015). Collection method: clinical testing. Allele origin: germline.
Comment: This sequence change replaces tyrosine, which is neutral and polar, with histidine, which is basic and polar, at codon 4086 of the FAT4 protein (p.Tyr4086His). The frequency data for this variant in the population databases is considered unreliable, as metrics indicate poor data quality at this position in the gnomAD database. This variant has not been reported in the literature in individuals affected with FAT4-related conditions. Advanced modeling of protein sequence and biophysical properties (such as structural, functional, and spatial information, amino acid conservation, physicochemical variation, residue mobility, and thermodynamic stability) performed at Invitae indicates that this missense variant is not expected to disrupt FAT4 protein function. In summary, the available evidence is currently insufficient to determine the role of this variant in disease. Therefore, it has been classified as a Variant of Uncertain Significance.